The following is an entry in ClinVar:

ClinVar aggregate classification (germline): Conflicting classifications of pathogenicity. Review status: criteria provided, conflicting classifications (1 of 4 stars). 2 submissions from 2 submitters: Uncertain significance (1); Likely benign (1). Last evaluated 2023-03-23.

Conditions:
Hereditary cancer-predisposing syndrome. Also called: Neoplastic Syndromes, Hereditary; Tumor predisposition; Hereditary Cancer Syndrome; Hereditary neoplastic syndrome. Identifiers: Orphanet 140162, MedGen C0027672, MeSH D009386, MONDO:0015356.

Submissions (2):

University of Washington Department of Laboratory Medicine, University of Washington
Classification: Likely benign for Hereditary cancer-predisposing syndrome. Last evaluated: 2023-03-23. Review status: criteria provided, single submitter. Criteria: Dines et al. (Genet Med. 2020). Collection method: curation. Allele origin: germline.
Comment: Missense variant in a coldspot region where missense variants are very unlikely to be pathogenic (PMID:31911673).

BRCA1 coldspot (exon 11 using historical exon numbering). Reclassification based on statistical prior probability

Ambry Genetics
Classification: Uncertain significance for Hereditary cancer-predisposing syndrome. Last evaluated: 2022-08-15. Review status: criteria provided, single submitter. Criteria: Ambry Variant Classification Scheme 2023. Collection method: clinical testing. Allele origin: germline.
Comment: The p.E259D variant (also known as c.777A>T), located in coding exon 9 of the BRCA1 gene, results from an A to T substitution at nucleotide position 777. The glutamic acid at codon 259 is replaced by aspartic acid, an amino acid with highly similar properties. This amino acid position is well conserved in available vertebrate species. In addition, this alteration is predicted to be deleterious by in silico analysis. Since supporting evidence is limited at this time, the clinical significance of this alteration remains unclear.

NM_007294.4(BRCA1):c.777A>T (p.Glu259Asp)

Gene: BRCA1 (BRCA1 DNA repair associated; minus strand). Cytogenetic location: 17q21.31.
Variant type: single nucleotide variant.
Coding change: c.777A>T on transcript NM_007294.4 (MANE Select); coding-DNA position 777, A replaced by T.
Protein change: p.Glu259Asp; replaces glutamic acid 259 with aspartic acid.
Molecular consequence: missense variant. On other transcripts: non-coding transcript variant (1).
Genome position (GRCh38, 1-based): chr17:43,094,754, T>A on the plus strand (A>T on the coding strand, the complement: BRCA1 is on the minus strand). VCF-style: chr17-43094754-T-A. GRCh37 (hg19) VCF-style: chr17-41246771-T-A.
Other names: c.513A>T, p.Glu171Asp (NM_001407924.1, NM_001407925.1, NM_001407926.1 and 15 more transcripts); c.564A>T, p.Glu188Asp (NM_001407571.1, NM_001407853.1, NM_001407894.1 and 12 more transcripts); c.777A>T, p.Glu259Asp (NM_001407581.1, NM_001407582.1, NM_001407583.1 and 54 more transcripts); c.774A>T, p.Glu258Asp (NM_001407587.1, NM_001407590.1, NM_001407591.1 and 38 more transcripts); c.699A>T, p.Glu233Asp (NM_001407653.1, NM_001407654.1, NM_001407655.1 and 9 more transcripts); c.696A>T, p.Glu232Asp (NM_001407659.1, NM_001407660.1, NM_001407661.1 and 3 more transcripts); c.654A>T, p.Glu218Asp (NM_001407664.1, NM_001407665.1, NM_001407666.1 and 34 more transcripts); c.651A>T, p.Glu217Asp (NM_001407670.1, NM_001407671.1, NM_001407672.1 and 20 more transcripts); and 14 more; short protein forms E192D, E214D, E170D, E211D, E218D, E256D, E131D, E132D.
Identifiers: ClinVar variation 1760581 (VCV001760581.4), dbSNP rs2154493105, ClinGen allele CA10600526.